The following is an entry in ClinVar:

ClinVar aggregate classification (germline): Conflicting classifications of pathogenicity. Review status: criteria provided, conflicting classifications (1 of 4 stars). 2 submissions from 2 submitters: Likely pathogenic (1); Uncertain significance (1). Last evaluated 2020-09-14.

Conditions:
Early-infantile DEE. Also called: Early infantile epileptic encephalopathy with suppression bursts; Ohtahara syndrome; Early infantile epileptic encephalopathy. Identifiers: Orphanet 1934, MedGen C0393706, MONDO:0800491.

Submissions (2):

Labcorp Genetics (formerly Invitae), Labcorp
Classification: Likely pathogenic for Early-infantile DEE. Last evaluated: 2020-09-14. Review status: criteria provided, single submitter. Criteria: Invitae Variant Classification Sherloc (09022015). Collection method: clinical testing. Allele origin: germline.
Comment: In summary, the currently available evidence indicates that the variant is pathogenic, but additional data are needed to prove that conclusively. Therefore, this variant has been classified as Likely Pathogenic. Algorithms developed to predict the effect of missense changes on protein structure and function are either unavailable or do not agree on the potential impact of this missense change (SIFT: "Deleterious"; PolyPhen-2: "Probably Damaging"; Align-GVGD: "Class C0"). This variant has been observed in individual(s) with clinical features of epileptic encephalopathy (PMID: 31026061, Invitae). In at least one individual the variant was observed to be de novo. ClinVar contains an entry for this variant (Variation ID: 287663). This variant is not present in population databases (ExAC no frequency). This sequence change replaces leucine with tryptophan at codon 848 of the SCN8A protein (p.Leu848Trp). The leucine residue is highly conserved and there is a small physicochemical difference between leucine and tryptophan.

Eurofins Ntd Llc (ga)
Classification: Uncertain significance. Last evaluated: 2016-06-07. Review status: criteria provided, single submitter. Criteria: EGL Classification Definitions 2015. Collection method: clinical testing. Allele origin: germline. Observed: 1 variant allele, 1 heterozygote.

Literature cited by the submitters: PubMed 31026061 (cited by Labcorp Genetics (formerly Invitae), Labcorp).

NM_001330260.2(SCN8A):c.2543T>G (p.Leu848Trp)

Gene: SCN8A (sodium voltage-gated channel alpha subunit 8; plus strand). Cytogenetic location: 12q13.13.
Variant type: single nucleotide variant.
Coding change: c.2543T>G on transcript NM_001330260.2 (MANE Select); coding-DNA position 2543, T replaced by G.
Protein change: p.Leu848Trp; replaces leucine 848 with tryptophan.
Molecular consequence: missense variant.
Genome position (GRCh38, 1-based): chr12:51,762,675, T>G. VCF-style: chr12-51762675-T-G. GRCh37 (hg19) VCF-style: chr12-52156459-T-G.
Other names: c.2543T>G, p.Leu848Trp (NM_001177984.3, NM_001369788.1, NM_014191.4); short protein forms L848W.
Identifiers: ClinVar variation 287663 (VCV000287663.15), dbSNP rs886043686, ClinGen allele CA10605825.
Genomic context (GRCh38, chr12:51,762,675, plus strand): 5'-GTTTAATGGAACTGAGTCTAGCAGACGTGGAGGGGCTTTCAGTGCTGCGATCTTTCCGAT[T>G]GGTATTCCATATTTCTCCAATTTCTTTTAACATTTCCTATCTTGCAGCTACTAGAAAGAG-3'
Protein context (NP_001317189.1, residues 838-858): EGLSVLRSFR[Leu848Trp]LRVFKLAKSW